The following is an entry in ClinVar:

ClinVar aggregate classification (germline): Uncertain significance (1 of 4 stars; one submission).

Conditions:
Noonan syndrome 9 (NS9). Identifiers: Orphanet 648, MedGen C4225282, MONDO:0014691, OMIM 616559.

Submission:

Labcorp Genetics (formerly Invitae), Labcorp
Classification: Uncertain significance for Noonan syndrome 9. Last evaluated: 2024-10-24. Review status: criteria provided, single submitter. Criteria: Invitae Variant Classification Sherloc (09022015). Collection method: clinical testing. Allele origin: germline.
Comment: This sequence change replaces serine, which is neutral and polar, with proline, which is neutral and non-polar, at codon 631 of the SOS2 protein (p.Ser631Pro). This variant is present in population databases (no rsID available, gnomAD 0.03%). This variant has not been reported in the literature in individuals affected with SOS2-related conditions. Invitae Evidence Modeling of protein sequence and biophysical properties (such as structural, functional, and spatial information, amino acid conservation, physicochemical variation, residue mobility, and thermodynamic stability) has been performed for this missense variant. However, the output from this modeling did not meet the statistical confidence thresholds required to predict the impact of this variant on SOS2 protein function. In summary, the available evidence is currently insufficient to determine the role of this variant in disease. Therefore, it has been classified as a Variant of Uncertain Significance.

NM_006939.4(SOS2):c.1891T>C (p.Ser631Pro)

Gene: SOS2 (SOS Ras/Rho guanine nucleotide exchange factor 2; minus strand). Cytogenetic location: 14q21.3.
Variant type: single nucleotide variant.
Coding change: c.1891T>C on transcript NM_006939.4 (MANE Select); coding-DNA position 1891, T replaced by C.
Protein change: p.Ser631Pro; replaces serine 631 with proline.
Molecular consequence: missense variant.
Genome position (GRCh38, 1-based): chr14:50,158,608, A>G on the plus strand (T>C on the coding strand, the complement: SOS2 is on the minus strand). VCF-style: chr14-50158608-A-G. GRCh37 (hg19) VCF-style: chr14-50625326-A-G.
Other names: c.1792T>C, p.Ser598Pro (NM_001411020.1); short protein forms S631P, S598P.
Identifiers: ClinVar variation 3720779 (VCV003720779.2).